The following is an entry in ClinVar:

NM_001148.6(ANK2):c.11864A>G (p.Asn3955Ser)

Gene: ANK2 (ankyrin 2; plus strand). Cytogenetic location: 4q26.
Variant type: single nucleotide variant.
Coding change: c.11864A>G on transcript NM_001148.6 (MANE Select); coding-DNA position 11864, A replaced by G.
Protein change: p.Asn3955Ser; replaces asparagine 3955 with serine.
Molecular consequence: missense variant.
Genome position (GRCh38, 1-based): chr4:113,381,461, A>G. VCF-style: chr4-113381461-A-G. GRCh37 (hg19) VCF-style: chr4-114302617-A-G.
Other names: c.5582A>G, p.Asn1861Ser (NM_001127493.3); c.5804A>G, p.Asn1935Ser (NM_001354225.2); c.5786A>G, p.Asn1929Ser (NM_001354228.2); c.5771A>G, p.Asn1924Ser (NM_001354230.2); c.5744A>G, p.Asn1915Ser (NM_001354231.2); c.5738A>G, p.Asn1913Ser (NM_001354232.2); c.5699A>G, p.Asn1900Ser (NM_001354235.2); c.5690A>G, p.Asn1897Ser (NM_001354236.2); and 57 more; short protein forms N1861S, N3955S, N1058S, N1107S, N1687S, N1768S, N1775S, N1804S.
Identifiers: ClinVar variation 377483 (VCV000377483.39), dbSNP rs201555985, ClinGen allele CA3052444.

ClinVar aggregate classification (germline): Benign/Likely benign. Review status: criteria provided, multiple submitters, no conflicts (2 of 4 stars). 8 submissions from 8 submitters: Benign (4); Likely benign (4). Last evaluated 2025-11-25.

Conditions:
Cardiac arrhythmia, ankyrin-B-related. Also called: ANKYRIN-B SYNDROME. Identifiers: Orphanet 101016, Orphanet 768, MedGen C1970119, MONDO:0010958, OMIM 600919.
Cardiovascular phenotype. Identifiers: MedGen CN230736.
Long QT syndrome (LQTS). Identifiers: MedGen C0023976, MeSH D008133, MONDO:0002442. Disease mechanism: loss of function. Inheritance: Various modes of inheritance.

Allele frequency attached by ClinVar (database versions not stated): gnomAD 0.00004 and 0.00023; TOPMed 0.00008; gnomAD exomes 0.00037 and 0.00078; 1000 Genomes Project 30x 0.00078; ExAC 0.00097; 1000 Genomes Project 0.00100.
gnomAD v4.1: 587 of 1,614,168 alleles (0.036%); highest among the groups gnomAD compares: South Asian, 0.59%; 3 homozygotes.

Submissions (8):

Labcorp Genetics (formerly Invitae), Labcorp
Classification: Benign for Long QT syndrome. Last evaluated: 2025-11-25. Review status: criteria provided, single submitter. Criteria: Invitae Variant Classification Sherloc (09022015). Collection method: clinical testing. Allele origin: germline.

Blueprint Genetics
Classification: Likely benign. Last evaluated: 2024-11-19. Review status: criteria provided, single submitter. Criteria: ACMG Guidelines, 2015. Collection method: clinical testing. Allele origin: germline.

CeGaT Center for Human Genetics Tuebingen
Classification: Benign. Last evaluated: 2023-02-01. Review status: criteria provided, single submitter. Criteria: CeGaT Center For Human Genetics Tuebingen Variant Classification Criteria Version 2. Collection method: clinical testing. Allele origin: germline. Affected: yes. Observed: 2 variant alleles.
Comment: ANK2: BS1, BS2

Genome-Nilou Lab
Classification: Benign for Cardiac arrhythmia, ankyrin-B-related. Last evaluated: 2021-12-05. Review status: criteria provided, single submitter. Criteria: ACMG Guidelines, 2015. Collection method: clinical testing. Allele origin: germline. Affected: no.

Women's Health and Genetics/Laboratory Corporation of America, LabCorp
Classification: Benign. Last evaluated: 2021-08-29. Review status: criteria provided, single submitter. Criteria: LabCorp Variant Classification Summary - May 2015. Collection method: clinical testing. Allele origin: germline.
Comment: Variant summary: ANK2 c.11864A>G (p.Asn3955Ser) results in a conservative amino acid change in the encoded protein sequence. Four of five in-silico tools predict a benign effect of the variant on protein function. The variant allele was found at a frequency of 0.00078 in 251020 control chromosomes. The observed variant frequency is approximately 117 fold of the estimated maximal expected allele frequency for a pathogenic variant in ANK2 causing Long QT Syndrome phenotype (6.7e-06), strongly suggesting that the variant is benign. Even though this variant has appeared in several sequencing studies within cohorts of patients with SIDS, cardiomyopathy, long QT syndrome, to our knowledge, no conclusive evidence supporting the occurrence of c.11864A>G in individuals affected with Long QT Syndrome and no experimental evidence demonstrating its impact on protein function have been reported. Two clinical diagnostic laboratories have submitted clinical-significance assessments for this variant to ClinVar after 2014 without evidence for independent evaluation. All laboratories classified the variant as benign/likely benign. Based on the evidence outlined above, the variant was classified as benign.

GeneDx
Classification: Likely benign. Last evaluated: 2020-07-14. Review status: criteria provided, single submitter. Criteria: GeneDx Variant Classification Process June 2021. Collection method: clinical testing. Allele origin: germline. Affected: yes.
Comment: This variant is associated with the following publications: (PMID: 32145446)

Ambry Genetics
Classification: Likely benign for Cardiovascular phenotype. Last evaluated: 2018-06-29. Review status: criteria provided, single submitter. Criteria: Ambry Variant Classification Scheme 2023. Collection method: clinical testing. Allele origin: germline.

Breakthrough Genomics
Classification: Likely benign. Review status: criteria provided, single submitter. Criteria: ACMG Guidelines, 2015. Collection method: not provided. Allele origin: germline. Inheritance: Autosomal dominant inheritance. Affected: yes.